The following is an entry in ClinVar:

NM_000521.4(HEXB):c.589T>C (p.Ser197Pro)

Gene: HEXB (hexosaminidase subunit beta; plus strand). Cytogenetic location: 5q13.3.
Variant type: single nucleotide variant.
Coding change: c.589T>C on transcript NM_000521.4 (MANE Select); coding-DNA position 589, T replaced by C.
Protein change: p.Ser197Pro; replaces serine 197 with proline.
Molecular consequence: missense variant. On other transcripts: 5 prime UTR variant (1).
Genome position (GRCh38, 1-based): chr5:74,697,026, T>C. VCF-style: chr5-74697026-T-C. GRCh37 (hg19) VCF-style: chr5-73992851-T-C.
Other names: c.-87T>C (NM_001292004.2); short protein forms S197P.
Identifiers: ClinVar variation 4759469 (VCV004759469.1).

ClinVar aggregate classification (germline): Uncertain significance (1 of 4 stars; one submission).

Conditions:
Sandhoff disease. Also called: Beta-hexosaminidase-beta-subunit deficiency; GM2 gangliosidosis, type 2; Total hexosaminidase deficiency; Sandhoff-Jatzkewitz-Pilz disease; GM2-GANGLIOSIDOSIS, TYPE II; HEXOSAMINIDASES A AND B DEFICIENCY. Identifiers: Orphanet 796, MedGen C0036161, MONDO:0010006, OMIM 268800.

Submission:

Illumina Laboratory Services, Illumina
Classification: Uncertain significance for Sandhoff disease. Last evaluated: 2024-01-30. Review status: criteria provided, single submitter. Criteria: ISL SNV Classification Criteria 03 February 2026. Collection method: clinical testing. Allele origin: unknown.
Comment: The HEXB c.589T>C p.(Ser197Pro) missense variant has not, to our knowledge, been reported in the peer-reviewed literature. This variant is not observed in version 2.1.1 or version 4.0.0 of the Genome Aggregation Database. Based on the available evidence, the c.589T>C p.(Ser197Pro) variant is classified as a variant of uncertain significance for Sandhoff disease.